The following is an entry in ClinVar:

NM_024334.3(TMEM43):c.977T>A (p.Met326Lys)

Gene: TMEM43 (transmembrane protein 43; plus strand). Cytogenetic location: 3p25.1.
Variant type: single nucleotide variant.
Coding change: c.977T>A on transcript NM_024334.3 (MANE Select); coding-DNA position 977, T replaced by A.
Protein change: p.Met326Lys; replaces methionine 326 with lysine.
Molecular consequence: missense variant.
Genome position (GRCh38, 1-based): chr3:14,139,274, T>A. VCF-style: chr3-14139274-T-A. GRCh37 (hg19) VCF-style: chr3-14180774-T-A.
Other names: c.980T>A, p.Met327Lys (NM_001407274.1); c.974T>A, p.Met325Lys (NM_001407275.1, NM_001407276.1); c.971T>A, p.Met324Lys (NM_001407277.1); c.962T>A, p.Met321Lys (NM_001407278.1); c.902T>A, p.Met301Lys (NM_001407279.1); c.827T>A, p.Met276Lys (NM_001407280.1); short protein forms M276K, M301K, M321K, M324K, M325K, M326K, M327K.
Identifiers: ClinVar variation 3074394 (VCV003074394.1), dbSNP rs753704737, ClinGen allele CA351536281.

ClinVar aggregate classification (germline): Uncertain significance (1 of 4 stars; one submission).

Conditions:
Arrhythmogenic right ventricular dysplasia 5. Also called: Arrhythmogenic Right Ventricular Dysplasia/Cardiomyopathy 5; ARRHYTHMOGENIC RIGHT VENTRICULAR DYSPLASIA, FAMILIAL, 5. Identifiers: MedGen C1858379, MONDO:0011459, OMIM 604400.

Submission:

All of Us Research Program, National Institutes of Health
Classification: Uncertain significance for Arrhythmogenic right ventricular dysplasia 5. Last evaluated: 2023-11-02. Review status: criteria provided, single submitter. Criteria: ACMG Guidelines, 2015. Collection method: clinical testing. Allele origin: germline. Inheritance: Autosomal dominant inheritance. Observed: 1 variant allele, 1 heterozygote.
Comment: This missense variant replaces methionine with lysine at codon 326 of the TMEM43 protein. Computational prediction suggests that this variant may not impact protein structure and function (internally defined REVEL score threshold <= 0.5, PMID: 27666373). To our knowledge, functional studies have not been reported for this variant. This variant has not been reported in individuals affected with TMEM43-related disorders in the literature. This variant has not been identified in the general population by the Genome Aggregation Database (gnomAD). The available evidence is insufficient to determine the role of this variant in disease conclusively. Therefore, this variant is classified as a Variant of Uncertain Significance.

This study involves interpretation of variants in research participants for the purpose of population health screening. Participant phenotype was not available at the time of variant classification. Additional details can be found in publication PMID: 35346344, PMCID: PMC8962531